The following is an entry in ClinVar:

NM_002471.4(MYH6):c.680C>T (p.Ala227Val)

Gene: MYH6 (myosin heavy chain 6; minus strand). Cytogenetic location: 14q11.2.
Variant type: single nucleotide variant.
Coding change: c.680C>T on transcript NM_002471.4 (MANE Select); coding-DNA position 680, C replaced by T.
Protein change: p.Ala227Val; replaces alanine 227 with valine.
Molecular consequence: missense variant.
Genome position (GRCh38, 1-based): chr14:23,404,351, G>A on the plus strand (C>T on the coding strand, the complement: MYH6 is on the minus strand). VCF-style: chr14-23404351-G-A. GRCh37 (hg19) VCF-style: chr14-23873560-G-A.
Other names: short protein forms A227V.
Identifiers: ClinVar variation 3400843 (VCV003400843.1).

ClinVar aggregate classification (germline): Uncertain significance (1 of 4 stars; one submission).

Conditions:
Cardiovascular phenotype. Identifiers: MedGen CN230736.

Submission:

Ambry Genetics
Classification: Uncertain significance for Cardiovascular phenotype. Last evaluated: 2024-08-27. Review status: criteria provided, single submitter. Criteria: Ambry Variant Classification Scheme 2023. Collection method: clinical testing. Allele origin: germline.
Comment: The p.A227V variant (also known as c.680C>T), located in coding exon 6 of the MYH6 gene, results from a C to T substitution at nucleotide position 680. The alanine at codon 227 is replaced by valine, an amino acid with similar properties. This amino acid position is well conserved in available vertebrate species. In addition, this alteration is predicted to be tolerated by in silico analysis. Based on the available evidence, the clinical significance of this variant remains unclear.